The following is an entry in ClinVar:

ClinVar aggregate classification (germline): Uncertain significance (1 of 4 stars; one submission).

Conditions:
Leber congenital amaurosis 1 (LCA1). Also called: Congenital absence of the rods and cones; Leber's congenital tapetoretinal degeneration; Leber's congenital tapetoretinal dysplasia; AMAUROSIS CONGENITA OF LEBER I; RETINAL BLINDNESS, CONGENITAL. Identifiers: Orphanet 65, MedGen C2931258, MONDO:0008764, OMIM 204000.
Cone-rod dystrophy 6 (CORD6). Also called: Cone dystrophy progressive; RETINAL CONE DYSTROPHY 2. Identifiers: Orphanet 1872, MedGen C1866293, MONDO:0011143, OMIM 601777.

Submission:

Labcorp Genetics (formerly Invitae), Labcorp
Classification: Uncertain significance for Leber congenital amaurosis 1; Cone-rod dystrophy 6. Last evaluated: 2022-04-10. Review status: criteria provided, single submitter. Criteria: Invitae Variant Classification Sherloc (09022015). Collection method: clinical testing. Allele origin: germline.
Comment: This variant has not been reported in the literature in individuals affected with GUCY2D-related conditions. This sequence change replaces alanine, which is neutral and non-polar, with aspartic acid, which is acidic and polar, at codon 162 of the GUCY2D protein (p.Ala162Asp). This variant is not present in population databases (gnomAD no frequency). Algorithms developed to predict the effect of missense changes on protein structure and function are either unavailable or do not agree on the potential impact of this missense change (SIFT: "Deleterious"; PolyPhen-2: "Probably Damaging"; Align-GVGD: "Class C0"). In summary, the available evidence is currently insufficient to determine the role of this variant in disease. Therefore, it has been classified as a Variant of Uncertain Significance.

NM_000180.4(GUCY2D):c.485C>A (p.Ala162Asp)

Gene: GUCY2D (guanylate cyclase 2D, retinal; plus strand). Cytogenetic location: 17p13.1.
Variant type: single nucleotide variant.
Coding change: c.485C>A on transcript NM_000180.4 (MANE Select); coding-DNA position 485, C replaced by A.
Protein change: p.Ala162Asp; replaces alanine 162 with aspartic acid.
Molecular consequence: missense variant.
Genome position (GRCh38, 1-based): chr17:8,003,532, C>A. VCF-style: chr17-8003532-C-A. GRCh37 (hg19) VCF-style: chr17-7906850-C-A.
Other names: short protein forms A162D.
Identifiers: ClinVar variation 2124357 (VCV002124357.4), dbSNP rs2545418049, ClinGen allele CA397943857.
Genomic context (GRCh38, chr17:8,003,532, plus strand): 5'-AAGCCGGGATCGCGCTGGTGCCCTGGGGCTGCCCCTGGACGCAGGCGGAGGGCACCACGG[C>A]CCCTGCCGTGACCCCCGCCGCGGATGCCCTCTACGCCCTGCTTCGCGCATTCGGCTGGGC-3'
Protein context (NP_000171.1, residues 152-172): CPWTQAEGTT[Ala162Asp]PAVTPAADAL